The following is an entry in ClinVar:

NM_001039348.3(EFEMP1):c.172G>A (p.Gly58Arg)

Gene: EFEMP1 (EGF-like fibulin extracellular matrix protein 1; minus strand). Cytogenetic location: 2p16.1.
Variant type: single nucleotide variant.
Coding change: c.172G>A on transcript NM_001039348.3 (MANE Select); coding-DNA position 172, G replaced by A.
Protein change: p.Gly58Arg; replaces glycine 58 with arginine.
Molecular consequence: missense variant.
Genome position (GRCh38, 1-based): chr2:55,918,010, C>T on the plus strand (G>A on the coding strand, the complement: EFEMP1 is on the minus strand). VCF-style: chr2-55918010-C-T. GRCh37 (hg19) VCF-style: chr2-56145145-C-T.
Other names: c.172G>A, p.Gly58Arg (NM_001039349.3); c.172G>A (NM_001039348.2); short protein forms G58R.
Identifiers: ClinVar variation 999448 (VCV000999448.11), dbSNP rs972352889, ClinGen allele CA48129527.

ClinVar aggregate classification (germline): Uncertain significance. Review status: criteria provided, multiple submitters, no conflicts (2 of 4 stars). 4 submissions from 4 submitters: Uncertain significance (4). Last evaluated 2025-09-01.

Conditions:
EFEMP1-related disorder. Also called: EFEMP1-related condition.
Inborn genetic diseases. Identifiers: MedGen C0950123, MeSH D030342.

Allele frequency attached by ClinVar (database versions not stated): gnomAD exomes below 0.00001 and 0.00001; TOPMed 0.00001.
gnomAD v4.1: 15 of 1,614,206 alleles (0.00093%); highest among the groups gnomAD compares: Non-Finnish European, 0.0012%; no homozygotes.

Submissions (4):

Ambry Genetics
Classification: Uncertain significance for Inborn genetic diseases. Last evaluated: 2025-09-01. Review status: criteria provided, single submitter. Criteria: Ambry Variant Classification Scheme 2023. Collection method: clinical testing. Allele origin: germline.

PreventionGenetics, part of Exact Sciences
Classification: Uncertain significance for EFEMP1-related condition. Last evaluated: 2025-03-12. Review status: criteria provided, single submitter. Criteria: ACMG Guidelines, 2015. Collection method: clinical testing. Allele origin: germline.
Comment: The EFEMP1 c.172G>A variant is predicted to result in the amino acid substitution p.Gly58Arg. To our knowledge, this variant has not been reported in the literature. This variant is present in 0.00088% of alleles in individuals of European (Non-Finnish) descent in gnomAD. At this time, the clinical significance of this variant is uncertain due to the absence of conclusive functional and genetic evidence.

Labcorp Genetics (formerly Invitae), Labcorp
Classification: Uncertain significance. Last evaluated: 2024-02-24. Review status: criteria provided, single submitter. Criteria: Invitae Variant Classification Sherloc (09022015). Collection method: clinical testing. Allele origin: germline.
Comment: This sequence change replaces glycine, which is neutral and non-polar, with arginine, which is basic and polar, at codon 58 of the EFEMP1 protein (p.Gly58Arg). This variant is present in population databases (no rsID available, gnomAD 0.0009%). This variant has not been reported in the literature in individuals affected with EFEMP1-related conditions. ClinVar contains an entry for this variant (Variation ID: 999448). Advanced modeling of protein sequence and biophysical properties (such as structural, functional, and spatial information, amino acid conservation, physicochemical variation, residue mobility, and thermodynamic stability) performed at Invitae indicates that this missense variant is not expected to disrupt EFEMP1 protein function with a negative predictive value of 80%. In summary, the available evidence is currently insufficient to determine the role of this variant in disease. Therefore, it has been classified as a Variant of Uncertain Significance.

Blueprint Genetics
Classification: Uncertain significance. Last evaluated: 2021-03-24. Review status: criteria provided, single submitter. Criteria: ACMG Guidelines, 2015. Collection method: clinical testing. Allele origin: germline.